The following is an entry in ClinVar:

NM_030973.4(MED25):c.151C>T (p.Pro51Ser)

Gene: MED25 (mediator complex subunit 25; plus strand). Cytogenetic location: 19q13.33.
Variant type: single nucleotide variant.
Coding change: c.151C>T on transcript NM_030973.4 (MANE Select); coding-DNA position 151, C replaced by T.
Protein change: p.Pro51Ser; replaces proline 51 with serine.
Molecular consequence: missense variant.
Genome position (GRCh38, 1-based): chr19:49,818,587, C>T. VCF-style: chr19-49818587-C-T. GRCh37 (hg19) VCF-style: chr19-50321844-C-T.
Other names: c.151C>T, p.Pro51Ser (NM_001378355.1); short protein forms P51S.
Identifiers: ClinVar variation 543294 (VCV000543294.17), dbSNP rs147869920, ClinGen allele CA9584739.

ClinVar aggregate classification (germline): Likely benign. Review status: criteria provided, multiple submitters, no conflicts (2 of 4 stars). 5 submissions from 5 submitters: Likely benign (4). 1 of the submissions does not count toward it. Last evaluated 2026-03-02.

Conditions:
MED25-related disorder. Also called: MED25-related condition.
Charcot-Marie-Tooth disease. Also called: Charcot-Marie-Tooth Neuropathy; Charcot-Marie-Tooth Hereditary Neuropathy. Identifiers: Orphanet 166, MedGen C0007959, MONDO:0015626.
Charcot-Marie-Tooth disease type 2. Also called: Charcot-Marie-Tooth type 2. Identifiers: Orphanet 64746, MedGen C0270914, MONDO:0018993.

Allele frequency attached by ClinVar (database versions not stated): gnomAD exomes 0.00021; ExAC 0.00029; TOPMed 0.00099; gnomAD 0.00098 and 0.00104; 1000 Genomes Project 0.00060; 1000 Genomes Project 30x 0.00078; ESP Exome Variant Server 0.00154.
gnomAD v4.1: 278 of 1,614,144 alleles (0.017%); highest among the groups gnomAD compares: African/African-American, 0.33%; no homozygotes.

Submissions (5):

Women's Health and Genetics/Laboratory Corporation of America, LabCorp
Classification: Likely benign. Last evaluated: 2026-03-02. Review status: criteria provided, single submitter. Criteria: LabCorp Variant Classification Summary - May 2015. Collection method: clinical testing. Allele origin: germline.
Comment: Variant summary: MED25 c.151C>T (p.Pro51Ser) results in a non-conservative amino acid change in the encoded protein sequence. Algorithms developed to predict the effect of missense changes on protein structure and function are either unavailable or do not agree on the potential impact of this missense change. The variant allele was found at a frequency of 0.00021 in 251426 control chromosomes, predominantly at a frequency of 0.003 within the African or African-American subpopulation in the gnomAD database. The observed variant frequency within African or African-American control individuals in the gnomAD database exceeds the estimated maximal expected allele frequency for disease-causing variants in MED25. To our knowledge, c.151C>T has not been observed in individuals affected with Congenital cataract-microcephaly-nevus flammeus simplex-severe intellectual disability syndrome and no experimental evidence demonstrating an impact on protein function have been reported. The following publication has been ascertained in the context of this evaluation (PMID: 32376792). ClinVar contains an entry for this variant (Variation ID: 543294). Based on the evidence outlined above, the variant was classified as likely benign.

Labcorp Genetics (formerly Invitae), Labcorp
Classification: Likely benign for Charcot-Marie-Tooth disease type 2. Last evaluated: 2025-10-02. Review status: criteria provided, single submitter. Criteria: Invitae Variant Classification Sherloc (09022015). Collection method: clinical testing. Allele origin: germline.

Breakthrough Genomics
Classification: Likely benign. Review status: criteria provided, single submitter. Criteria: ACMG Guidelines, 2015. Collection method: not provided. Allele origin: germline. Inheritance: Autosomal recessive inheritance. Affected: yes.

Molecular Genetics Laboratory, London Health Sciences Centre
Classification: Likely benign for Charcot-Marie-Tooth disease. Review status: criteria provided, single submitter. Criteria: ACMG Guidelines, 2015. Collection method: clinical testing. Allele origin: germline. Affected: yes.

PreventionGenetics, part of Exact Sciences
Classification: Likely benign for MED25-related condition. Last evaluated: 2021-01-27. Review status: no assertion criteria provided. Collection method: clinical testing. Allele origin: germline. Not counted in ClinVar's aggregate classification.
Comment: This variant is classified as likely benign based on ACMG/AMP sequence variant interpretation guidelines (Richards et al. 2015 PMID: 25741868, with internal and published modifications).

Literature cited by the submitters: PubMed 32376792 (cited by Women's Health and Genetics/Laboratory Corporation of America, LabCorp).